The following is an entry in ClinVar:

ClinVar aggregate classification (germline): Uncertain significance. Review status: criteria provided, multiple submitters, no conflicts (2 of 4 stars). 3 submissions from 3 submitters: Uncertain significance (3). Last evaluated 2025-02-14.

Conditions:
Inborn genetic diseases. Identifiers: MedGen C0950123, MeSH D030342.

Allele frequency attached by ClinVar (database versions not stated): gnomAD exomes 0.00003; TOPMed 0.00006; gnomAD 0.00007; ESP Exome Variant Server 0.00008; ExAC 0.00011.

Submissions (3):

Ambry Genetics
Classification: Uncertain significance for Inborn genetic diseases. Last evaluated: 2025-02-14. Review status: criteria provided, single submitter. Criteria: Ambry Variant Classification Scheme 2023. Collection method: clinical testing. Allele origin: germline.

Labcorp Genetics (formerly Invitae), Labcorp
Classification: Uncertain significance. Last evaluated: 2024-11-14. Review status: criteria provided, single submitter. Criteria: Invitae Variant Classification Sherloc (09022015). Collection method: clinical testing. Allele origin: germline.
Comment: This sequence change replaces arginine, which is basic and polar, with tryptophan, which is neutral and slightly polar, at codon 3 of the PTHLH protein (p.Arg3Trp). The frequency data for this variant in the population databases is considered unreliable, as metrics indicate poor data quality at this position in the gnomAD database. This variant has not been reported in the literature in individuals affected with PTHLH-related conditions. ClinVar contains an entry for this variant (Variation ID: 284426). An algorithm developed to predict the effect of missense changes on protein structure and function outputs the following: PolyPhen-2: "Benign". The tryptophan amino acid residue is found in multiple mammalian species, which suggests that this missense change does not adversely affect protein function. In summary, the available evidence is currently insufficient to determine the role of this variant in disease. Therefore, it has been classified as a Variant of Uncertain Significance.

Eurofins Ntd Llc (ga)
Classification: Uncertain significance. Last evaluated: 2015-11-12. Review status: criteria provided, single submitter. Criteria: EGL Classification Definitions 2015. Collection method: clinical testing. Allele origin: germline. Observed: 2 variant alleles, 2 heterozygotes.

NM_198965.2(PTHLH):c.7C>T (p.Arg3Trp)

Gene: PTHLH (parathyroid hormone like hormone; minus strand). Cytogenetic location: 12p11.22.
Variant type: single nucleotide variant.
Coding change: c.7C>T on transcript NM_198965.2 (MANE Select); coding-DNA position 7, C replaced by T.
Protein change: p.Arg3Trp; replaces arginine 3 with tryptophan.
Molecular consequence: missense variant.
Genome position (GRCh38, 1-based): chr12:27,969,488, G>A on the plus strand (C>T on the coding strand, the complement: PTHLH is on the minus strand). VCF-style: chr12-27969488-G-A. GRCh37 (hg19) VCF-style: chr12-28122421-G-A.
Other names: c.7C>T, p.Arg3Trp (NM_002820.3, NM_198964.2, NM_198966.2); c.7C>T (NM_198965.1); short protein forms R3W.
Identifiers: ClinVar variation 284426 (VCV000284426.11), dbSNP rs150566848, ClinGen allele CA6494976.